The following is an entry in ClinVar:

NM_014026.6(DCPS):c.433C>T (p.Arg145Cys)

Gene: DCPS (decapping enzyme, scavenger; plus strand). Cytogenetic location: 11q24.2.
Variant type: single nucleotide variant.
Coding change: c.433C>T on transcript NM_014026.6 (MANE Select); coding-DNA position 433, C replaced by T.
Protein change: p.Arg145Cys; replaces arginine 145 with cysteine.
Molecular consequence: missense variant.
Genome position (GRCh38, 1-based): chr11:126,331,461, C>T. VCF-style: chr11-126331461-C-T. GRCh37 (hg19) VCF-style: chr11-126201356-C-T.
Other names: c.433C>T (NM_014026.3); c.454C>T, p.Arg152Cys (NM_001350236.2); short protein forms R145C, R152C.
Identifiers: ClinVar variation 424491 (VCV000424491.5), dbSNP rs201132569, ClinGen allele CA6354986.

ClinVar aggregate classification (germline): Uncertain significance. Review status: criteria provided, multiple submitters, no conflicts (2 of 4 stars). 2 submissions from 2 submitters: Uncertain significance (2). Last evaluated 2025-08-22.

Conditions:
Inborn genetic diseases. Identifiers: MedGen C0950123, MeSH D030342.

Allele frequency attached by ClinVar (database versions not stated): gnomAD 0.00001 and 0.00002; gnomAD exomes 0.00004; TOPMed 0.00004.

Submissions (2):

Ambry Genetics
Classification: Uncertain significance for Inborn genetic diseases. Last evaluated: 2025-08-22. Review status: criteria provided, single submitter. Criteria: Ambry Variant Classification Scheme 2023. Collection method: clinical testing. Allele origin: germline.

GeneDx
Classification: Uncertain significance. Last evaluated: 2017-03-28. Review status: criteria provided, single submitter. Criteria: GeneDx Variant Classification (06012015). Collection method: clinical testing. Allele origin: germline. Affected: yes.
Comment: The R145C variant in the DCPS gene has not been reported previously as a pathogenic variant, nor as a benign variant, to our knowledge. The R145C variant is observed in 4/8652 (0.05%) alleles from individuals of East Asian background in the ExAC dataset, and no individuals were reported to be homozygous (Lek et al., 2016). The R145C variant is a non-conservative amino acid substitution, which is likely to impact secondary protein structure as these residues differ in polarity, charge, size and/or other properties. However, this substitution occurs at a position that is not conserved. In silico analysis predicts this variant is probably damaging to the protein structure/function. Therefore, we interpret R145C as a variant of uncertain significance.